The following is an entry in ClinVar:

NM_005654.6(NR2F1):c.311A>T (p.Glu104Val)

Genes: NR2F1-AS1 (NR2F1 regulatory antisense RNA 1; minus strand), NR2F1 (nuclear receptor subfamily 2 group F member 1; plus strand). Cytogenetic location: 5q15.
Variant type: single nucleotide variant.
Coding change: c.311A>T on transcript NM_005654.6 (MANE Select); coding-DNA position 311, A replaced by T.
Protein change: p.Glu104Val; replaces glutamic acid 104 with valine.
Molecular consequence: missense variant. On other transcripts: non-coding transcript variant (4).
Genome position (GRCh38, 1-based): chr5:93,585,334, A>T. VCF-style: chr5-93585334-A-T. GRCh37 (hg19) VCF-style: chr5-92921040-A-T.
Other names: short protein forms E104V.
Identifiers: ClinVar variation 3377109 (VCV003377109.1).

ClinVar aggregate classification (germline): Likely pathogenic (1 of 4 stars; one submission).

Conditions:
Bosch-Boonstra-Schaaf optic atrophy syndrome (BBSOAS). Also called: NR2F1-Related Neurodevelopmental Disorder. Identifiers: Orphanet 401777, MedGen C3810363, MONDO:0014320, OMIM 615722.

Submission:

Victorian Clinical Genetics Services, Murdoch Childrens Research Institute
Classification: Likely pathogenic for Bosch-Boonstra-Schaaf optic atrophy syndrome. Last evaluated: 2024-10-09. Review status: criteria provided, single submitter. Criteria: ACMG Guidelines, 2015. Collection method: clinical testing. Allele origin: germline. Inheritance: Autosomal dominant inheritance. Affected: yes.
Comment: Based on the classification scheme VCGS_Germline_v1.3.4, this variant is classified as Likely pathogenic. Following criteria are met: 0102 - Loss of function is a known mechanism of disease in this gene and is associated with Bosch-Boonstra-Schaaf optic atrophy syndrome (MIM#615722). Dominant negative has also been proposed as a likely mechanism for some missense variants found in the DNA-binding domain (PMID: 26986877). (I) 0107 - This gene is associated with autosomal dominant disease. (I) 0200 - Variant is predicted to result in a missense amino acid change from glutamic acid to valine. (I) 0251 - This variant is heterozygous. (I) 0301 - Variant is absent from gnomAD (both v2 and v3). (SP) 0501 - Missense variant consistently predicted to be damaging by multiple in silico tools or highly conserved with a major amino acid change. (SP) 0601 - Variant is located in the well-established functional zinc finger, C4 type domain. Pathogenic variants are commonly reported in this domain (PMIDs: 24462372; 26986877; 28963436). (SP) 0703 - Other missense variants comparable to the one identified in this case have moderate previous evidence for pathogenicity. (SP) 0807 - This variant has no previous evidence of pathogenicity. (I) 0905 - No published segregation evidence has been identified for this variant. (I) 1007 - No published functional evidence has been identified for this variant. (I) 1208 - Inheritance information for this variant is not currently available in this individual. (I) Legend: (SP) - Supporting pathogenic, (I) - Information, (SB) - Supporting benign

Literature cited by the submitters: PubMed 24462372; PubMed 26986877; PubMed 28963436; PubMed 32275123.